The following is an entry in ClinVar:

ClinVar aggregate classification (germline): Uncertain significance. Review status: criteria provided, multiple submitters, no conflicts (2 of 4 stars). 4 submissions from 4 submitters: Uncertain significance (4). Last evaluated 2026-03-31.

Conditions:
Inborn genetic diseases. Identifiers: MedGen C0950123, MeSH D030342.
Charcot-Marie-Tooth disease type 4. Also called: Charcot-Marie-Tooth disease, type IV; Charcot-Marie-Tooth, Type 4. Identifiers: Orphanet 64749, MedGen C4082197, MONDO:0018995.
Charcot-Marie-Tooth disease type 4F. Also called: Charcot-Marie-Tooth disease, demyelinating, type 4F. Identifiers: Orphanet 99952, MedGen C3540453, MONDO:0013959, OMIM 614895.
PRX-related disorder. Also called: PRX-Related Disorders; PRX-related condition.

Allele frequency attached by ClinVar (database versions not stated): gnomAD 0.00006 and 0.00007; gnomAD exomes 0.00006 and 0.00011; TOPMed 0.00006; ExAC 0.00011; 1000 Genomes Project 30x 0.00016; 1000 Genomes Project 0.00020.
gnomAD v4.1: 170 of 1,607,436 alleles (0.011%); highest among the groups gnomAD compares: Non-Finnish European, 0.014%; no homozygotes.

Submissions (4):

PreventionGenetics, part of Exact Sciences
Classification: Uncertain significance for PRX-related condition. Last evaluated: 2026-03-31. Review status: criteria provided, single submitter. Criteria: ACMG Guidelines, 2015. Collection method: clinical testing. Allele origin: germline.
Comment: The PRX c.3799G>A variant is predicted to result in the amino acid substitution p.Gly1267Arg. To our knowledge, this variant has not been reported in the literature. This variant is reported in 0.013% of alleles in individuals of European (Non-Finnish) descent in gnomAD. At this time, the clinical significance of this variant is uncertain due to the absence of conclusive functional and genetic evidence.

Ambry Genetics
Classification: Uncertain significance for Inborn genetic diseases. Last evaluated: 2025-02-08. Review status: criteria provided, single submitter. Criteria: Ambry Variant Classification Scheme 2023. Collection method: clinical testing. Allele origin: germline.

Labcorp Genetics (formerly Invitae), Labcorp
Classification: Uncertain significance for Charcot-Marie-Tooth disease type 4. Last evaluated: 2022-07-19. Review status: criteria provided, single submitter. Criteria: Invitae Variant Classification Sherloc (09022015). Collection method: clinical testing. Allele origin: germline.
Comment: This sequence change replaces glycine, which is neutral and non-polar, with arginine, which is basic and polar, at codon 1267 of the PRX protein (p.Gly1267Arg). This variant is present in population databases (rs542711361, gnomAD 0.01%). This variant has not been reported in the literature in individuals affected with PRX-related conditions. ClinVar contains an entry for this variant (Variation ID: 329254). Algorithms developed to predict the effect of missense changes on protein structure and function are either unavailable or do not agree on the potential impact of this missense change (SIFT: "Tolerated"; PolyPhen-2: "Probably Damaging"; Align-GVGD: "Class C0"). In summary, the available evidence is currently insufficient to determine the role of this variant in disease. Therefore, it has been classified as a Variant of Uncertain Significance.

Illumina Laboratory Services, Illumina
Classification: Uncertain significance for Charcot-Marie-Tooth disease type 4F. Last evaluated: 2018-01-13. Review status: criteria provided, single submitter. Criteria: ICSL Variant Classification Criteria 13 December 2019. Collection method: clinical testing. Allele origin: germline.

NM_181882.3(PRX):c.3799G>A (p.Gly1267Arg)

Gene: PRX (periaxin; minus strand). Cytogenetic location: 19q13.2.
Variant type: single nucleotide variant.
Coding change: c.3799G>A on transcript NM_181882.3 (MANE Select); coding-DNA position 3799, G replaced by A.
Protein change: p.Gly1267Arg; replaces glycine 1267 with arginine.
Molecular consequence: missense variant. On other transcripts: 3 prime UTR variant (1).
Genome position (GRCh38, 1-based): chr19:40,394,553, C>T on the plus strand (G>A on the coding strand, the complement: PRX is on the minus strand). VCF-style: chr19-40394553-C-T. GRCh37 (hg19) VCF-style: chr19-40900460-C-T.
Other names: c.*4004G>A (NM_020956.2); short protein forms G1267R.
Identifiers: ClinVar variation 329254 (VCV000329254.12), dbSNP rs542711361, ClinGen allele CA9443785.